The following is an entry in ClinVar:

NM_001244710.2(GFPT1):c.1997T>C (p.Leu666Pro)

Gene: GFPT1 (glutamine--fructose-6-phosphate transaminase 1; minus strand). Cytogenetic location: 2p13.3.
Variant type: single nucleotide variant.
Coding change: c.1997T>C on transcript NM_001244710.2 (MANE Select); coding-DNA position 1997, T replaced by C.
Protein change: p.Leu666Pro; replaces leucine 666 with proline.
Molecular consequence: missense variant.
Genome position (GRCh38, 1-based): chr2:69,326,972, A>G on the plus strand (T>C on the coding strand, the complement: GFPT1 is on the minus strand). VCF-style: chr2-69326972-A-G. GRCh37 (hg19) VCF-style: chr2-69554104-A-G.
Other names: c.1943T>C, p.Leu648Pro (NM_002056.4); short protein forms L666P, L648P.
Identifiers: ClinVar variation 934829 (VCV000934829.1), dbSNP rs1670545826, ClinGen allele CA347421491.

ClinVar aggregate classification (germline): Uncertain significance (1 of 4 stars; one submission).

Conditions:
Congenital myasthenic syndrome 12 (CMS12). Also called: Myasthenia, congenital, 12, with tubular aggregates; MYASTHENIC SYNDROME, CONGENITAL, WITH TUBULAR AGGREGATES 1. Identifiers: Orphanet 353327, Orphanet 590, MedGen C3552335, MONDO:0012518, OMIM 610542.

Submission:

Labcorp Genetics (formerly Invitae), Labcorp
Classification: Uncertain significance for Congenital myasthenic syndrome 12. Last evaluated: 2019-09-17. Review status: criteria provided, single submitter. Criteria: Invitae Variant Classification Sherloc (09022015). Collection method: clinical testing. Allele origin: germline.
Comment: This sequence change replaces leucine with proline at codon 666 of the GFPT1 protein (p.Leu666Pro). The leucine residue is highly conserved and there is a moderate physicochemical difference between leucine and proline. This variant is not present in population databases (ExAC no frequency). This variant has not been reported in the literature in individuals with GFPT1-related conditions. Algorithms developed to predict the effect of missense changes on protein structure and function are either unavailable or do not agree on the potential impact of this missense change (SIFT: "Deleterious"; PolyPhen-2: "Probably Damaging"; Align-GVGD: "Class C0"). In summary, the available evidence is currently insufficient to determine the role of this variant in disease. Therefore, it has been classified as a Variant of Uncertain Significance.